The following is an entry in ClinVar:

NM_003872.3(NRP2):c.2339G>A (p.Arg780His)

Gene: NRP2 (neuropilin 2; plus strand). Cytogenetic location: 2q33.3.
Variant type: single nucleotide variant.
Coding change: c.2339G>A on transcript NM_003872.3 (MANE Select); coding-DNA position 2339, G replaced by A.
Protein change: p.Arg780His; replaces arginine 780 with histidine.
Molecular consequence: missense variant.
Genome position (GRCh38, 1-based): chr2:205,765,505, G>A. VCF-style: chr2-205765505-G-A. GRCh37 (hg19) VCF-style: chr2-206630229-G-A.
Other names: c.2339G>A, p.Arg780His (NM_018534.4, NM_201266.2, NM_201267.2 and 1 more transcripts); short protein forms R780H.
Identifiers: ClinVar variation 3352499 (VCV003352499.3).
Genomic context (GRCh38, chr2:205,765,505, plus strand): 5'-ACCATGGCTCTTATTCTTCCGGCTTCTAGATTGTGTTCGAGGGAGTGATAGGGAAAGGAC[G>A]TTCCGGAGAGATTGCCATTGATGACATTCGGATAAGCACTGATGTCCCACTGGAGAACTG-3'
Protein context (NP_003863.2, residues 770-790): IVFEGVIGKG[Arg780His]SGEIAIDDIR

ClinVar aggregate classification (germline): Conflicting classifications of pathogenicity. Review status: criteria provided, conflicting classifications (1 of 4 stars). 2 submissions from 2 submitters: Uncertain significance (1); Likely benign (1). Last evaluated 2026-05-05.

Conditions:
NRP2-related disorder. Also called: NRP2-related condition.

gnomAD v4.1: 43 of 1,614,032 alleles (0.0027%); highest among the groups gnomAD compares: East Asian, 0.018%; 1 homozygote.

Submissions (2):

PreventionGenetics, part of Exact Sciences
Classification: Likely benign for NRP2-related condition. Last evaluated: 2026-05-05. Review status: criteria provided, single submitter. Criteria: ACMG Guidelines, 2015. Collection method: clinical testing. Allele origin: germline.
Comment: This variant is classified as likely benign based on ACMG/AMP sequence variant interpretation guidelines (Richards et al. 2015 PMID: 25741868, with internal and published modifications).

Ambry Genetics
Classification: Uncertain significance. Last evaluated: 2025-12-16. Review status: criteria provided, single submitter. Criteria: Ambry Variant Classification Scheme 2023. Collection method: clinical testing. Allele origin: germline.